The following is an entry in ClinVar:

ClinVar aggregate classification (germline): Benign/Likely benign. Review status: criteria provided, multiple submitters, no conflicts (2 of 4 stars). 3 submissions from 3 submitters: Benign (1); Likely benign (2). Last evaluated 2025-05-23.

Conditions:
Hereditary cancer-predisposing syndrome. Also called: Tumor predisposition; Hereditary Cancer Syndrome; Neoplastic Syndromes, Hereditary; Hereditary neoplastic syndrome. Identifiers: Orphanet 140162, MedGen C0027672, MeSH D009386, MONDO:0015356.
Familial adenomatous polyposis 1 (FAP1). Also called: FAMILIAL ADENOMATOUS POLYPOSIS 1, ATTENUATED; POLYPOSIS, ADENOMATOUS INTESTINAL. Identifiers: MedGen C2713442, MONDO:0021056, OMIM 175100. Disease mechanism: loss of function.

Submissions (3):

Labcorp Genetics (formerly Invitae), Labcorp
Classification: Likely benign for Familial adenomatous polyposis 1. Last evaluated: 2025-05-23. Review status: criteria provided, single submitter. Criteria: Invitae Variant Classification Sherloc (09022015). Collection method: clinical testing. Allele origin: germline.

Myriad Genetics, Inc.
Classification: Benign for Familial adenomatous polyposis 1. Last evaluated: 2024-02-29. Review status: criteria provided, single submitter. Criteria: Myriad Autosomal Dominant, Autosomal Recessive and X-Linked Classification Criteria (2023). Collection method: clinical testing. Allele origin: unknown.
Comment: This variant is considered benign. This variant is a silent/synonymous amino acid change and it is not expected to impact splicing.

Ambry Genetics
Classification: Likely benign for Hereditary cancer-predisposing syndrome. Last evaluated: 2019-10-29. Review status: criteria provided, single submitter. Criteria: Ambry Variant Classification Scheme 2023. Collection method: clinical testing. Allele origin: germline.

NM_000038.6(APC):c.1108T>C (p.Leu370=)

Gene: APC (APC regulator of Wnt signaling pathway; plus strand). Cytogenetic location: 5q22.2.
Variant type: single nucleotide variant.
Coding change: c.1108T>C on transcript NM_000038.6 (MANE Select); coding-DNA position 1108, T replaced by C.
Protein change: p.Leu370=; no amino-acid change (leucine 370 retained).
Molecular consequence: synonymous variant. On other transcripts: intron variant (4).
Genome position (GRCh38, 1-based): chr5:112,819,140, T>C. VCF-style: chr5-112819140-T-C. GRCh37 (hg19) VCF-style: chr5-112154837-T-C.
Other names: c.1108T>C, p.Leu370= (NM_001127510.3, NM_001354895.2, NM_001354896.2); c.1024T>C, p.Leu342= (NM_001354899.2); c.1033T>C, p.Leu345= (NM_001354898.2); c.1054T>C, p.Leu352= (NM_001127511.3); c.1138T>C, p.Leu380= (NM_001354897.2); c.931T>C, p.Leu311= (NM_001354900.2, NM_001354901.2); c.259T>C, p.Leu87= (NM_001354906.2); c.964-129T>C (NM_001354902.2); and 3 more.
Identifiers: ClinVar variation 822192 (VCV000822192.7), dbSNP rs1580529338, ClinGen allele CA445960279.